The following is an entry in ClinVar:

NC_000003.11:g.(?_154832763)_(154836620_?)del

Gene: MME (membrane metalloendopeptidase; plus strand). Cytogenetic location: 3q25.2.
Variant type: Deletion.
Identifiers: ClinVar variation 1456285 (VCV001456285.4).

ClinVar aggregate classification (germline): Pathogenic (1 of 4 stars; one submission).

Submission:

Labcorp Genetics (formerly Invitae), Labcorp
Classification: Pathogenic. Last evaluated: 2021-10-16. Review status: criteria provided, single submitter. Criteria: Invitae Variant Classification Sherloc (09022015). Collection method: clinical testing. Allele origin: germline.
Comment: This variant has not been reported in the literature in individuals affected with MME-related conditions. This variant is a gross deletion of the genomic region encompassing exon(s) 4-8 of the MME gene. This deletion is out-of-frame, and is expected to create a premature termination codon and result in an absent or disrupted protein product. Loss-of-function variants in MME are known to be pathogenic (PMID: 26991897). For these reasons, this variant has been classified as Pathogenic.

Literature cited by the submitters: PubMed 26991897.